The following is an entry in ClinVar:

ClinVar aggregate classification (germline): Uncertain significance (1 of 4 stars; one submission).

Allele frequency attached by ClinVar (database versions not stated): gnomAD exomes below 0.00001.
gnomAD v4.1: 4 of 1,600,988 alleles (0.00025%); highest among the groups gnomAD compares: Non-Finnish European, 0.00026%; no homozygotes.

Submission:

Labcorp Genetics (formerly Invitae), Labcorp
Classification: Uncertain significance. Last evaluated: 2022-12-23. Review status: criteria provided, single submitter. Criteria: Invitae Variant Classification Sherloc (09022015). Collection method: clinical testing. Allele origin: germline.
Comment: In summary, the available evidence is currently insufficient to determine the role of this variant in disease. Therefore, it has been classified as a Variant of Uncertain Significance. Advanced modeling of protein sequence and biophysical properties (such as structural, functional, and spatial information, amino acid conservation, physicochemical variation, residue mobility, and thermodynamic stability) performed at Invitae indicates that this missense variant is expected to disrupt PHIP protein function. This variant has not been reported in the literature in individuals affected with PHIP-related conditions. This variant is not present in population databases (gnomAD no frequency). This sequence change replaces arginine, which is basic and polar, with glutamine, which is neutral and polar, at codon 193 of the PHIP protein (p.Arg193Gln).

NM_017934.7(PHIP):c.578G>A (p.Arg193Gln)

Gene: PHIP (PHIP subunit of CUL4-Ring ligase complex; minus strand). Cytogenetic location: 6q14.1.
Variant type: single nucleotide variant.
Coding change: c.578G>A on transcript NM_017934.7 (MANE Select); coding-DNA position 578, G replaced by A.
Protein change: p.Arg193Gln; replaces arginine 193 with glutamine.
Molecular consequence: missense variant.
Genome position (GRCh38, 1-based): chr6:79,042,865, C>T on the plus strand (G>A on the coding strand, the complement: PHIP is on the minus strand). VCF-style: chr6-79042865-C-T. GRCh37 (hg19) VCF-style: chr6-79752582-C-T.
Other names: short protein forms R193Q.
Identifiers: ClinVar variation 2897262 (VCV002897262.3), dbSNP rs2482268670, ClinGen allele CA364642961.